The following is an entry in ClinVar:

NM_182916.3(TRNT1):c.1225C>G (p.Gln409Glu)

Gene: TRNT1 (tRNA nucleotidyl transferase 1; plus strand). Cytogenetic location: 3p26.2.
Variant type: single nucleotide variant.
Coding change: c.1225C>G on transcript NM_182916.3 (MANE Select); coding-DNA position 1225, C replaced by G.
Protein change: p.Gln409Glu; replaces glutamine 409 with glutamic acid.
Molecular consequence: missense variant. On other transcripts: non-coding transcript variant (8).
Genome position (GRCh38, 1-based): chr3:3,148,074, C>G. VCF-style: chr3-3148074-C-G. GRCh37 (hg19) VCF-style: chr3-3189758-C-G.
Other names: c.1165C>G, p.Gln389Glu (NM_001302946.2); c.1225C>G, p.Gln409Glu (NM_001367321.1, NM_001367322.1, NM_001367323.1); short protein forms Q409E, Q389E.
Identifiers: ClinVar variation 2145991 (VCV002145991.1), dbSNP rs749229642, ClinGen allele CA2228914.

ClinVar aggregate classification (germline): Uncertain significance (1 of 4 stars; one submission).

Conditions:
Congenital sideroblastic anemia-B-cell immunodeficiency-periodic fever-developmental delay syndrome. Also called: Sideroblastic anemia with B-cell immunodeficiency, periodic fevers, and developmental delay. Identifiers: Orphanet 369861, MedGen C4015172, MONDO:0014487, OMIM 616084.

Allele frequency attached by ClinVar (database versions not stated): ExAC 0.00001.
gnomAD v4.1: 5 of 1,613,872 alleles (0.00031%); highest among the groups gnomAD compares: Admixed American, 0.005%; no homozygotes.

Submission:

Labcorp Genetics (formerly Invitae), Labcorp
Classification: Uncertain significance for Congenital sideroblastic anemia-B-cell immunodeficiency-periodic fever-developmental delay syndrome. Last evaluated: 2022-05-30. Review status: criteria provided, single submitter. Criteria: Invitae Variant Classification Sherloc (09022015). Collection method: clinical testing. Allele origin: germline.
Comment: This sequence change replaces glutamine, which is neutral and polar, with glutamic acid, which is acidic and polar, at codon 409 of the TRNT1 protein (p.Gln409Glu). This variant is present in population databases (rs749229642, gnomAD 0.009%). This variant has not been reported in the literature in individuals affected with TRNT1-related conditions. Algorithms developed to predict the effect of missense changes on protein structure and function (SIFT, PolyPhen-2, Align-GVGD) all suggest that this variant is likely to be tolerated. In summary, the available evidence is currently insufficient to determine the role of this variant in disease. Therefore, it has been classified as a Variant of Uncertain Significance.